The following is an entry in ClinVar:

ClinVar aggregate classification (germline): Likely benign (0 of 4 stars; one submission).

Conditions:
EP300-related disorder. Also called: EP300-related condition; EP300-related disorders.

gnomAD v4.1: 2 of 1,614,028 alleles (0.00012%); highest among the groups gnomAD compares: Non-Finnish European, 0.00017%; no homozygotes.

Submission:

PreventionGenetics, part of Exact Sciences
Classification: Likely benign for EP300-related condition. Last evaluated: 2024-04-09. Review status: no assertion criteria provided. Collection method: clinical testing. Allele origin: germline.
Comment: This variant is classified as likely benign based on ACMG/AMP sequence variant interpretation guidelines (Richards et al. 2015 PMID: 25741868, with internal and published modifications).

NM_001429.4(EP300):c.5880T>G (p.Thr1960=)

Gene: EP300 (E1A binding protein p300; plus strand). Cytogenetic location: 22q13.2.
Variant type: single nucleotide variant.
Coding change: c.5880T>G on transcript NM_001429.4 (MANE Select); coding-DNA position 5880, T replaced by G.
Protein change: p.Thr1960=; no amino-acid change (threonine 1960 retained).
Molecular consequence: synonymous variant.
Genome position (GRCh38, 1-based): chr22:41,177,591, T>G. VCF-style: chr22-41177591-T-G. GRCh37 (hg19) VCF-style: chr22-41573595-T-G.
Other names: c.5802T>G, p.Thr1934= (NM_001362843.2).
Identifiers: ClinVar variation 3346688 (VCV003346688.1).
Genomic context (GRCh38, chr22:41,177,591, plus strand): 5'-CCAGATGGCCCACGTGCAAATTTTTCAAAGGCCAATCCAACACCAGATGCCCCCGATGAC[T>G]CCCATGGCCCCCATGGGTATGAACCCACCTCCCATGACCAGAGGTCCCAGTGGGCATTTG-3'
Protein context (NP_001420.2, residues 1950-1970): RPIQHQMPPM[Thr1960=]PMAPMGMNPP